The following is an entry in ClinVar:

NM_020937.4(FANCM):c.2831_2832insAATATTCAATTATATTATTACAT (p.Gly945fs)

Gene: FANCM (FA complementation group M; plus strand). Cytogenetic location: 14q21.2.
Variant type: Insertion.
Coding change: c.2831_2832insAATATTCAATTATATTATTACAT on transcript NM_020937.4 (MANE Select); coding-DNA positions 2831 to 2832, AATATTCAATTATATTATTACAT inserted.
Protein change: p.Gly945fs; shifts the reading frame from glycine 945.
Molecular consequence: frameshift variant.
Genome position: GRCh38 VCF-style: chr14-45175585-C-CAATATTCAATTATATTATTACAT. GRCh37 (hg19) VCF-style: chr14-45644788-C-CAATATTCAATTATATTATTACAT.
Other names: c.2753_2754insAATATTCAATTATATTATTACAT, p.Gly919fs (NM_001308133.2); short protein forms G945fs, G919fs.
Identifiers: ClinVar variation 1440494 (VCV001440494.1), dbSNP rs1888623566, ClinGen allele CA962644241.

ClinVar aggregate classification (germline): Pathogenic (1 of 4 stars; one submission).

Conditions:
Fanconi anemia (FA). Also called: Fanconi's anemia. Identifiers: Orphanet 84, MedGen C0015625, MeSH D005199, MONDO:0019391.

Allele frequency attached by ClinVar (database versions not stated): gnomAD exomes below 0.00001; gnomAD 0.00001.

Submission:

Labcorp Genetics (formerly Invitae), Labcorp
Classification: Pathogenic for Fanconi anemia. Last evaluated: 2021-02-22. Review status: criteria provided, single submitter. Criteria: Invitae Variant Classification Sherloc (09022015). Collection method: clinical testing. Allele origin: germline.
Comment: This sequence change creates a premature translational stop signal (p.Gly945Ilefs*11) in the FANCM gene. It is expected to result in an absent or disrupted protein product. Loss-of-function variants in FANCM are known to be pathogenic (PMID: 29895858, 30075111). This variant is not present in population databases (ExAC no frequency). This variant has not been reported in the literature in individuals with FANCM-related conditions. For these reasons, this variant has been classified as Pathogenic.

Literature cited by the submitters: PubMed 29895858; PubMed 30075111.